The following is an entry in ClinVar:

ClinVar aggregate classification (germline): Benign. Review status: criteria provided, multiple submitters, no conflicts (2 of 4 stars). 2 submissions from 2 submitters: Benign (2). Last evaluated 2018-01-13.

Conditions:
Tooth agenesis, selective, 3 (STHAG3). Also called: HYPODONTIA/OLIGODONTIA 3. Identifiers: Orphanet 99798, MedGen C1970291, MONDO:0011477, OMIM 604625. Disease mechanism: loss of function.

Allele frequency attached by ClinVar (database versions not stated): 1000 Genomes Project 30x 0.06184; TOPMed 0.06242; 1000 Genomes Project 0.06809; gnomAD exomes 0.07054; gnomAD 0.07300 and 0.07468.
gnomAD v4.1: 12,231 of 163,994 alleles (7.5%); highest among the groups gnomAD compares: South Asian, 15%; 625 homozygotes.

Submissions (2):

Illumina Laboratory Services, Illumina
Classification: Benign for Tooth agenesis, selective, 3. Last evaluated: 2018-01-13. Review status: criteria provided, single submitter. Criteria: ICSL Variant Classification Criteria 13 December 2019. Collection method: clinical testing. Allele origin: germline.
Comment: This variant was observed in the ICSL laboratory as part of a predisposition screen in an ostensibly healthy population. It had not been previously curated by ICSL or reported in the Human Gene Mutation Database (HGMD: prior to June 1st, 2018), and was therefore a candidate for classification through an automated scoring system. Utilizing variant allele frequency, disease prevalence and penetrance estimates, and inheritance mode, an automated score was calculated to assess if this variant is too frequent to cause the disease. Based on the score and internal cut-off values, a variant classified as benign is not then subjected to further curation. The score for this variant resulted in a classification of benign for this disease.

Breakthrough Genomics
Classification: Benign. Review status: criteria provided, single submitter. Criteria: ACMG Guidelines, 2015. Collection method: not provided. Allele origin: germline. Inheritance: Autosomal dominant inheritance. Affected: yes.

NM_001372076.1(PAX9):c.*554G>C

Gene: PAX9 (paired box 9; plus strand). Cytogenetic location: 14q13.3.
Variant type: single nucleotide variant.
Coding change: c.*554G>C on transcript NM_001372076.1 (MANE Select); 554 bases downstream of the stop codon, G replaced by C.
Molecular consequence: 3 prime UTR variant.
Genome position (GRCh38, 1-based): chr14:36,677,006, G>C. VCF-style: chr14-36677006-G-C. GRCh37 (hg19) VCF-style: chr14-37146211-G-C.
Other names: c.*554G>C (NM_006194.4).
Identifiers: ClinVar variation 313182 (VCV000313182.6), dbSNP rs72679753, ClinGen allele CA10640177.